The following is an entry in ClinVar:

NM_032447.5(FBN3):c.7027G>A (p.Gly2343Ser)

Gene: FBN3 (fibrillin 3; minus strand). Cytogenetic location: 19p13.2.
Variant type: single nucleotide variant.
Coding change: c.7027G>A on transcript NM_032447.5 (MANE Select); coding-DNA position 7027, G replaced by A.
Protein change: p.Gly2343Ser; replaces glycine 2343 with serine.
Molecular consequence: missense variant.
Genome position (GRCh38, 1-based): chr19:8,085,423, C>T on the plus strand (G>A on the coding strand, the complement: FBN3 is on the minus strand). VCF-style: chr19-8085423-C-T. GRCh37 (hg19) VCF-style: chr19-8150307-C-T.
Other names: c.7027G>A, p.Gly2343Ser (NM_001321431.2); c.7027G>A (NM_032447.3); short protein forms G2343S.
Identifiers: ClinVar variation 1415428 (VCV001415428.9), dbSNP rs199804380, ClinGen allele CA9151022.

ClinVar aggregate classification (germline): Uncertain significance. Review status: criteria provided, multiple submitters, no conflicts (2 of 4 stars). 3 submissions from 3 submitters: Uncertain significance (3). Last evaluated 2025-07-15.

Allele frequency attached by ClinVar (database versions not stated): gnomAD 0.00003; TOPMed 0.00005; gnomAD exomes 0.00007; ESP Exome Variant Server 0.00016; ExAC 0.00017.
gnomAD v4.1: 73 of 1,576,732 alleles (0.0046%); highest among the groups gnomAD compares: Middle Eastern, 0.092%; no homozygotes.

Submissions (3):

Ambry Genetics
Classification: Uncertain significance. Last evaluated: 2025-07-15. Review status: criteria provided, single submitter. Criteria: Ambry Variant Classification Scheme 2023. Collection method: clinical testing. Allele origin: germline.

Labcorp Genetics (formerly Invitae), Labcorp
Classification: Uncertain significance. Last evaluated: 2023-11-20. Review status: criteria provided, single submitter. Criteria: Invitae Variant Classification Sherloc (09022015). Collection method: clinical testing. Allele origin: germline.
Comment: This sequence change replaces glycine, which is neutral and non-polar, with serine, which is neutral and polar, at codon 2343 of the FBN3 protein (p.Gly2343Ser). The frequency data for this variant in the population databases is considered unreliable, as metrics indicate poor data quality at this position in the gnomAD database. This variant has not been reported in the literature in individuals affected with FBN3-related conditions. ClinVar contains an entry for this variant (Variation ID: 1415428). Algorithms developed to predict the effect of missense changes on protein structure and function output the following: SIFT: "Not Available"; PolyPhen-2: "Possibly Damaging"; Align-GVGD: "Not Available". The serine amino acid residue is found in multiple mammalian species, which suggests that this missense change does not adversely affect protein function. In summary, the available evidence is currently insufficient to determine the role of this variant in disease. Therefore, it has been classified as a Variant of Uncertain Significance.

Breakthrough Genomics
Classification: Uncertain significance. Review status: criteria provided, single submitter. Criteria: ACMG Guidelines, 2015. Collection method: not provided. Allele origin: germline. Inheritance: Unknown mechanism. Affected: yes.